The following is an entry in ClinVar:

ClinVar aggregate classification (germline): Uncertain significance (1 of 4 stars; one submission).

Conditions:
Alstrom syndrome (ALMS). Identifiers: Orphanet 64, MedGen C0268425, MONDO:0008763, OMIM 203800.

Submission:

Labcorp Genetics (formerly Invitae), Labcorp
Classification: Uncertain significance for Alstrom syndrome. Last evaluated: 2022-01-16. Review status: criteria provided, single submitter. Criteria: Invitae Variant Classification Sherloc (09022015). Collection method: clinical testing. Allele origin: germline.
Comment: This sequence change replaces leucine, which is neutral and non-polar, with serine, which is neutral and polar, at codon 89 of the ALMS1 protein (p.Leu89Ser). This variant is not present in population databases (gnomAD no frequency). This variant has not been reported in the literature in individuals affected with ALMS1-related conditions. Experimental studies and prediction algorithms are not available or were not evaluated, and the functional significance of this variant is currently unknown. In summary, the available evidence is currently insufficient to determine the role of this variant in disease. Therefore, it has been classified as a Variant of Uncertain Significance.

NM_001378454.1(ALMS1):c.263T>C (p.Leu88Ser)

Gene: ALMS1 (ALMS1 centrosome and basal body associated protein; plus strand). Cytogenetic location: 2p13.1.
Variant type: single nucleotide variant.
Coding change: c.263T>C on transcript NM_001378454.1 (MANE Select); coding-DNA position 263, T replaced by C.
Protein change: p.Leu88Ser; replaces leucine 88 with serine.
Molecular consequence: missense variant.
Genome position (GRCh38, 1-based): chr2:73,386,131, T>C. VCF-style: chr2-73386131-T-C. GRCh37 (hg19) VCF-style: chr2-73613259-T-C.
Other names: c.266T>C, p.Leu89Ser (NM_015120.4); short protein forms L88S, L89S.
Identifiers: ClinVar variation 1415299 (VCV001415299.3), dbSNP rs2104059929, ClinGen allele CA347250953.